The following is an entry in ClinVar:

ClinVar aggregate classification (germline): Uncertain significance (1 of 4 stars; one submission).

Conditions:
Congenital neutropenia-myelofibrosis-nephromegaly syndrome. Also called: Severe congenital neutropenia 5, autosomal recessive. Identifiers: Orphanet 369852, MedGen C3809031, MONDO:0014118, OMIM 615285.

Submission:

Labcorp Genetics (formerly Invitae), Labcorp
Classification: Uncertain significance for Congenital neutropenia-myelofibrosis-nephromegaly syndrome. Last evaluated: 2021-07-21. Review status: criteria provided, single submitter. Criteria: Invitae Variant Classification Sherloc (09022015). Collection method: clinical testing. Allele origin: germline.
Comment: In summary, the available evidence is currently insufficient to determine the role of this variant in disease. Therefore, it has been classified as a Variant of Uncertain Significance. This variant has not been reported in the literature in individuals affected with VPS45-related conditions. This variant results in a copy number gain of the genomic region encompassing exon(s) 3-15 of the VPS45 gene. The 5' boundary is likely confined to intron 2. The 3' end of this event is unknown as it extends beyond the assayed region for this gene and therefore may encompass additional genes. As the precise location of this event is unknown, it may be in tandem or it may be located elsewhere in the genome.

NC_000001.10:g.(?_150044213)_(150477474_?)dup

Genes: ANP32E (acidic nuclear phosphoprotein 32 family member E; minus strand), APH1A (aph-1 homolog A, gamma-secretase subunit; minus strand), C1orf54 (chromosome 1 open reading frame 54; plus strand), CA14 (carbonic anhydrase 14; plus strand), CIART (circadian associated repressor of transcription; plus strand) and 6 more. Cytogenetic location: 1q21.2-21.3.
Variant type: Duplication.
Identifiers: ClinVar variation 1411622 (VCV001411622.4).